The following is an entry in ClinVar:

NM_001105206.3(LAMA4):c.4526T>C (p.Phe1509Ser)

Gene: LAMA4 (laminin subunit alpha 4; minus strand). Cytogenetic location: 6q21.
Variant type: single nucleotide variant.
Coding change: c.4526T>C on transcript NM_001105206.3 (MANE Select); coding-DNA position 4526, T replaced by C.
Protein change: p.Phe1509Ser; replaces phenylalanine 1509 with serine.
Molecular consequence: missense variant.
Genome position (GRCh38, 1-based): chr6:112,120,422, A>G on the plus strand (T>C on the coding strand, the complement: LAMA4 is on the minus strand). VCF-style: chr6-112120422-A-G. GRCh37 (hg19) VCF-style: chr6-112441625-A-G.
Other names: c.4505T>C, p.Phe1502Ser (NM_001105207.3, NM_002290.5); short protein forms F1502S, F1509S.
Identifiers: ClinVar variation 4767897 (VCV004767897.1).

ClinVar aggregate classification (germline): Uncertain significance (1 of 4 stars; one submission).

Conditions:
Dilated cardiomyopathy 1JJ (CMD1JJ). Identifiers: Orphanet 154, MedGen C3808935, MONDO:0014095, OMIM 615235.

gnomAD v4.1: 3 of 1,613,984 alleles (0.00019%); highest among the groups gnomAD compares: East Asian, 0.0067%; no homozygotes.

Submission:

Labcorp Genetics (formerly Invitae), Labcorp
Classification: Uncertain significance for Dilated cardiomyopathy 1JJ. Last evaluated: 2025-09-10. Review status: criteria provided, single submitter. Criteria: Invitae Variant Classification Sherloc (09022015). Collection method: clinical testing. Allele origin: germline.
Comment: This sequence change replaces phenylalanine, which is neutral and non-polar, with serine, which is neutral and polar, at codon 1502 of the LAMA4 protein (p.Phe1502Ser). This variant is not present in population databases (gnomAD no frequency). This variant has not been reported in the literature in individuals affected with LAMA4-related conditions. Invitae Evidence Modeling of protein sequence and biophysical properties (such as structural, functional, and spatial information, amino acid conservation, physicochemical variation, residue mobility, and thermodynamic stability) indicates that this missense variant is expected to disrupt LAMA4 protein function with a positive predictive value of 80%. In summary, the available evidence is currently insufficient to determine the role of this variant in disease. Therefore, it has been classified as a Variant of Uncertain Significance.